The following is an entry in ClinVar:

NM_001211.6(BUB1B):c.2003A>G (p.Lys668Arg)

Gene: BUB1B (BUB1 mitotic checkpoint serine/threonine kinase B; plus strand). Cytogenetic location: 15q15.1.
Variant type: single nucleotide variant.
Coding change: c.2003A>G on transcript NM_001211.6 (MANE Select); coding-DNA position 2003, A replaced by G.
Protein change: p.Lys668Arg; replaces lysine 668 with arginine.
Molecular consequence: missense variant.
Genome position (GRCh38, 1-based): chr15:40,206,452, A>G. VCF-style: chr15-40206452-A-G. GRCh37 (hg19) VCF-style: chr15-40498653-A-G.
Other names: short protein forms K668R.
Identifiers: ClinVar variation 4600208 (VCV004600208.1).

ClinVar aggregate classification (germline): Uncertain significance (1 of 4 stars; one submission).

Conditions:
Inborn genetic diseases. Identifiers: MedGen C0950123, MeSH D030342.

gnomAD v4.1: 1 of 1,614,160 alleles (0.000062%); highest among the groups gnomAD compares: South Asian, 0.0011%; no homozygotes.

Submission:

Ambry Genetics
Classification: Uncertain significance for Inborn genetic diseases. Last evaluated: 2025-09-22. Review status: criteria provided, single submitter. Criteria: Ambry Variant Classification Scheme 2023. Collection method: clinical testing. Allele origin: germline.
Comment: The p.K668R variant (also known as c.2003A>G), located in coding exon 15 of the BUB1B gene, results from an A to G substitution at nucleotide position 2003. The lysine at codon 668 is replaced by arginine, an amino acid with highly similar properties. This amino acid position is conserved. In addition, this alteration is predicted to be tolerated by in silico analysis. Based on the available evidence, the clinical significance of this variant remains unclear.